The following is an entry in ClinVar:

NM_001009944.3(PKD1):c.8900C>G (p.Ser2967Ter)

Gene: PKD1 (polycystin 1, transient receptor potential channel interacting; minus strand). Cytogenetic location: 16p13.3.
Variant type: single nucleotide variant.
Coding change: c.8900C>G on transcript NM_001009944.3 (MANE Select); coding-DNA position 8900, C replaced by G.
Protein change: p.Ser2967Ter; replaces serine 2967 with a stop codon.
Molecular consequence: nonsense.
Genome position (GRCh38, 1-based): chr16:2,102,862, G>C on the plus strand (C>G on the coding strand, the complement: PKD1 is on the minus strand). VCF-style: chr16-2102862-G-C. GRCh37 (hg19) VCF-style: chr16-2152863-G-C.
Other names: c.8900C>G, p.Ser2967Ter (NM_000296.4); short protein forms S2967*.
Identifiers: ClinVar variation 2506237 (VCV002506237.1), dbSNP rs2544737112, ClinGen allele CA394361595.
Genomic context (GRCh38, chr16:2,102,862, plus strand): 5'-CGCAGAGCTCACCCCGGGGAAATGAAGAAGGTGTAGGGCCGGTGGTCAGCACCCTGGAGT[G>C]ACTCTGGGCGGATCCTCCTGCTAGCCGAGCAGTTGTGCTCATTGGGCCGGGGCTCCGAGT-3'

ClinVar aggregate classification (germline): Pathogenic (1 of 4 stars; one submission).

Conditions:
Polycystic kidney disease, adult type (PKD1). Also called: Polycystic Kidney Disease 1, Autosomal Dominant; Polycystic kidney disease 1; Polycystic kidney disease 1, severe; Polycystic Kidney, Autosomal Dominant; POLYCYSTIC KIDNEY DISEASE, ADULT, TYPE I; POLYCYSTIC KIDNEY DISEASE 1 WITH OR WITHOUT POLYCYSTIC LIVER DISEASE. Identifiers: MedGen C3149841, MONDO:0008263, OMIM 173900.

Submission:

Women's Health and Genetics/Laboratory Corporation of America, LabCorp
Classification: Pathogenic for Polycystic kidney disease, adult type. Last evaluated: 2023-05-24. Review status: criteria provided, single submitter. Criteria: LabCorp Variant Classification Summary - May 2015. Collection method: clinical testing. Allele origin: germline.
Comment: Variant summary: PKD1 c.8900C>G (p.Ser2967X) results in a premature termination codon, predicted to cause a truncation of the encoded protein or absence of the protein due to nonsense mediated decay, which are commonly known mechanisms for disease. The variant was absent in 248978 control chromosomes. To our knowledge, no occurrence of c.8900C>G in individuals affected with Polycystic Kidney Disease 1 and no experimental evidence demonstrating its impact on protein function have been reported. No clinical diagnostic laboratories have submitted clinical-significance assessments for this variant to ClinVar after 2014. Based on the evidence outlined above, the variant was classified as pathogenic.